The following is an entry in ClinVar:

ClinVar aggregate classification (germline): Uncertain significance (1 of 4 stars; one submission).

Submission:

GeneDx
Classification: Uncertain significance. Last evaluated: 2023-01-06. Review status: criteria provided, single submitter. Criteria: GeneDx Variant Classification Process June 2021. Collection method: clinical testing. Allele origin: germline. Affected: yes.
Comment: Not observed at significant frequency in large population cohorts (gnomAD); In silico analysis supports that this missense variant has a deleterious effect on protein structure/function; Has not been previously published as pathogenic or benign to our knowledge

NM_001829.4(CLCN3):c.1472C>T (p.Pro491Leu)

Gene: CLCN3 (chloride voltage-gated channel 3; plus strand). Cytogenetic location: 4q33.
Variant type: single nucleotide variant.
Coding change: c.1472C>T on transcript NM_001829.4 (MANE Select); coding-DNA position 1472, C replaced by T.
Protein change: p.Pro491Leu; replaces proline 491 with leucine.
Molecular consequence: missense variant.
Genome position (GRCh38, 1-based): chr4:169,697,643, C>T. VCF-style: chr4-169697643-C-T. GRCh37 (hg19) VCF-style: chr4-170618794-C-T.
Other names: c.1391C>T, p.Pro464Leu (NM_001243372.2, NM_001243374.2); c.1472C>T, p.Pro491Leu (NM_173872.4); short protein forms P464L, P491L.
Identifiers: ClinVar variation 2571675 (VCV002571675.1), dbSNP rs2477059347, ClinGen allele CA358740053.
Genomic context (GRCh38, chr4:169,697,643, plus strand): 5'-TTTGTGACTACAGAAATGACATGAATGCCAGTAAAATTGTCGATGACATTCCTGATCGTC[C>T]AGCAGGCATTGGAGTATATTCAGCTATATGGCAGTTATGCCTGGCACTCATATTTAAAAT-3'
Protein context (NP_001820.2, residues 481-501): SKIVDDIPDR[Pro491Leu]AGIGVYSAIW